The following is an entry in ClinVar:

NM_001354930.2(RIPK1):c.695T>C (p.Ile232Thr)

Gene: RIPK1 (receptor interacting serine/threonine kinase 1; plus strand). Cytogenetic location: 6p25.2.
Variant type: single nucleotide variant.
Coding change: c.695T>C on transcript NM_001354930.2 (MANE Select); coding-DNA position 695, T replaced by C.
Protein change: p.Ile232Thr; replaces isoleucine 232 with threonine.
Molecular consequence: missense variant.
Genome position (GRCh38, 1-based): chr6:3,085,265, T>C. VCF-style: chr6-3085265-T-C. GRCh37 (hg19) VCF-style: chr6-3085499-T-C.
Other names: c.206T>C, p.Ile69Thr (NM_001317061.3, NM_001354932.2, NM_001354933.2 and 1 more transcripts); c.557T>C, p.Ile186Thr (NM_001354931.2); c.695T>C, p.Ile232Thr (NM_003804.6); short protein forms I232T, I186T, I69T.
Identifiers: ClinVar variation 2969114 (VCV002969114.3), dbSNP rs2533215643, ClinGen allele CA362580200.

ClinVar aggregate classification (germline): Uncertain significance (1 of 4 stars; one submission).

Submission:

Labcorp Genetics (formerly Invitae), Labcorp
Classification: Uncertain significance. Last evaluated: 2025-01-02. Review status: criteria provided, single submitter. Criteria: Invitae Variant Classification Sherloc (09022015). Collection method: clinical testing. Allele origin: germline.
Comment: This sequence change replaces isoleucine, which is neutral and non-polar, with threonine, which is neutral and polar, at codon 232 of the RIPK1 protein (p.Ile232Thr). This variant is not present in population databases (gnomAD no frequency). This variant has not been reported in the literature in individuals affected with RIPK1-related conditions. ClinVar contains an entry for this variant (Variation ID: 2969114). An algorithm developed to predict the effect of missense changes on protein structure and function (PolyPhen-2) suggests that this variant is likely to be disruptive. In summary, the available evidence is currently insufficient to determine the role of this variant in disease. Therefore, it has been classified as a Variant of Uncertain Significance.